The following is an entry in ClinVar:

ClinVar aggregate classification (germline): Uncertain significance. Review status: criteria provided, multiple submitters, no conflicts (2 of 4 stars). 3 submissions from 3 submitters: Uncertain significance (3). Last evaluated 2025-04-23.

Conditions:
RASopathy. Also called: rasopathies; Noonan spectrum disorder. Identifiers: Orphanet 536391, MedGen C5555857, MONDO:0021060.
Noonan syndrome 4 (NS4). Also called: SOS1-Related Noonan Syndrome; NOONAN SYNDROME WITH PIGMENTED VILLONODULAR SYNOVITIS. Identifiers: Orphanet 648, MedGen C1853120, MONDO:0012547, OMIM 610733.
Cardiovascular phenotype. Identifiers: MedGen CN230736.

Allele frequency attached by ClinVar (database versions not stated): gnomAD 0.00001; gnomAD exomes 0.00001 and 0.00002; ExAC 0.00002; TOPMed 0.00002.

Submissions (3):

Labcorp Genetics (formerly Invitae), Labcorp
Classification: Uncertain significance for RASopathy. Last evaluated: 2025-04-23. Review status: criteria provided, single submitter. Criteria: Invitae Variant Classification Sherloc (09022015). Collection method: clinical testing. Allele origin: germline.
Comment: This sequence change replaces threonine, which is neutral and polar, with isoleucine, which is neutral and non-polar, at codon 158 of the SOS1 protein (p.Thr158Ile). This variant is present in population databases (rs776744951, gnomAD 0.006%). This variant has not been reported in the literature in individuals affected with SOS1-related conditions. ClinVar contains an entry for this variant (Variation ID: 1500784). Invitae Evidence Modeling of protein sequence and biophysical properties (such as structural, functional, and spatial information, amino acid conservation, physicochemical variation, residue mobility, and thermodynamic stability) has been performed for this missense variant. However, the output from this modeling did not meet the statistical confidence thresholds required to predict the impact of this variant on SOS1 protein function. In summary, the available evidence is currently insufficient to determine the role of this variant in disease. Therefore, it has been classified as a Variant of Uncertain Significance.

Clinical Genomics Laboratory, Washington University in St. Louis
Classification: Uncertain significance for Noonan syndrome 4. Last evaluated: 2024-11-17. Review status: criteria provided, single submitter. Criteria: ACMG Guidelines, 2015. Collection method: clinical testing. Allele origin: germline.
Comment: A SOS1 c.473C>T (p.Thr158Ile) variant was identified at a near heterozygous allelic fraction of 46.9%, a frequency which may be consistent with it being of germline origin. To our knowledge, it has not been reported in the medical literature. The SOS1 c.473C>T (p.Thr158Ile) variant has been reported in the ClinVar database (ClinVar ID: 1500784) as a germline variant of uncertain significance by two submitters. It is observed on 11/1,606,472 alleles in the general population (gnomAD v.4.1.0). Computational predictors are uncertain as to the impact of this variant on SOS1 gene function. Due to limited information, and based on ACMG/AMP guidelines for variant interpretation (Richards S et al., PMID: 25741868), the clinical significance of the SOS1 c.473C>T (p.Thr158Ile) variant is uncertain at this time.

Ambry Genetics
Classification: Uncertain significance for Cardiovascular phenotype. Last evaluated: 2023-06-16. Review status: criteria provided, single submitter. Criteria: Ambry Variant Classification Scheme 2023. Collection method: clinical testing. Allele origin: germline.
Comment: The p.T158I variant (also known as c.473C>T), located in coding exon 4 of the SOS1 gene, results from a C to T substitution at nucleotide position 473. The threonine at codon 158 is replaced by isoleucine, an amino acid with similar properties. This amino acid position is conserved. In addition, the in silico prediction for this alteration is inconclusive. Since supporting evidence is limited at this time, the clinical significance of this alteration remains unclear.

NM_005633.4(SOS1):c.473C>T (p.Thr158Ile)

Gene: SOS1 (SOS Ras/Rac guanine nucleotide exchange factor 1; minus strand). Cytogenetic location: 2p22.1.
Variant type: single nucleotide variant.
Coding change: c.473C>T on transcript NM_005633.4 (MANE Select); coding-DNA position 473, C replaced by T.
Protein change: p.Thr158Ile; replaces threonine 158 with isoleucine.
Molecular consequence: missense variant.
Genome position (GRCh38, 1-based): chr2:39,056,739, G>A on the plus strand (C>T on the coding strand, the complement: SOS1 is on the minus strand). VCF-style: chr2-39056739-G-A. GRCh37 (hg19) VCF-style: chr2-39283880-G-A.
Other names: c.452C>T, p.Thr151Ile (NM_001382394.1); c.473C>T, p.Thr158Ile (NM_001382395.1); c.473C>T (NM_005633.3); short protein forms T151I, T158I.
Identifiers: ClinVar variation 1500784 (VCV001500784.8), dbSNP rs776744951, ClinGen allele CA1624789.